The following is an entry in ClinVar:

NM_001376.5(DYNC1H1):c.5542C>G (p.Pro1848Ala)

Gene: DYNC1H1 (dynein cytoplasmic 1 heavy chain 1; plus strand). Cytogenetic location: 14q32.31.
Variant type: single nucleotide variant.
Coding change: c.5542C>G on transcript NM_001376.5 (MANE Select); coding-DNA position 5542, C replaced by G.
Protein change: p.Pro1848Ala; replaces proline 1848 with alanine.
Molecular consequence: missense variant.
Genome position (GRCh38, 1-based): chr14:102,005,996, C>G. VCF-style: chr14-102005996-C-G. GRCh37 (hg19) VCF-style: chr14-102472333-C-G.
Other names: short protein forms P1848A.
Identifiers: ClinVar variation 3370098 (VCV003370098.1).
Genomic context (GRCh38, chr14:102,005,996, plus strand): 5'-AGCAAGATTGACAACGCCAAATCTTTTGAATGGCTCAGCCAGATGCGATTTTACTTTGAC[C>G]CTAAGCAAACTGATGTGTTACAGCAGTTGTCAATTCAAATGGCAAATGCCAAATTTAACT-3'
Protein context (NP_001367.2, residues 1838-1858): WLSQMRFYFD[Pro1848Ala]KQTDVLQQLS

ClinVar aggregate classification (germline): Uncertain significance (1 of 4 stars; one submission).

Submission:

GeneDx
Classification: Uncertain significance. Last evaluated: 2023-12-25. Review status: criteria provided, single submitter. Criteria: GeneDx Variant Classification Process June 2021. Collection method: clinical testing. Allele origin: germline. Affected: yes.
Comment: Not observed at significant frequency in large population cohorts (gnomAD); In silico analysis supports that this missense variant has a deleterious effect on protein structure/function; Has not been previously published as pathogenic or benign to our knowledge; This variant is associated with the following publications: (PMID: 26100331, 25609763, 25512093)